The following is an entry in ClinVar:

ClinVar aggregate classification (germline): Uncertain significance. Review status: criteria provided, multiple submitters, no conflicts (2 of 4 stars). 3 submissions from 3 submitters: Uncertain significance (3). Last evaluated 2025-10-27.

Conditions:
Inborn genetic diseases. Identifiers: MedGen C0950123, MeSH D030342.
Developmental and epileptic encephalopathy, 30 (DEE30). Also called: Epileptic encephalopathy, early infantile, 30. Identifiers: MedGen C4225360, MONDO:0014595, OMIM 616341.

Allele frequency attached by ClinVar (database versions not stated): gnomAD exomes 0.00002; ExAC 0.00005.

Submissions (3):

Labcorp Genetics (formerly Invitae), Labcorp
Classification: Uncertain significance for Developmental and epileptic encephalopathy, 30. Last evaluated: 2025-10-27. Review status: criteria provided, single submitter. Criteria: Invitae Variant Classification Sherloc (09022015). Collection method: clinical testing. Allele origin: germline.
Comment: This sequence change replaces proline, which is neutral and non-polar, with leucine, which is neutral and non-polar, at codon 671 of the SIK1 protein (p.Pro671Leu). The frequency data for this variant in the population databases is considered unreliable, as metrics indicate poor data quality at this position in the gnomAD database. This variant has not been reported in the literature in individuals affected with SIK1-related conditions. ClinVar contains an entry for this variant (Variation ID: 934437). Invitae Evidence Modeling of protein sequence and biophysical properties (such as structural, functional, and spatial information, amino acid conservation, physicochemical variation, residue mobility, and thermodynamic stability) indicates that this missense variant is not expected to disrupt SIK1 protein function with a negative predictive value of 95%. In summary, the available evidence is currently insufficient to determine the role of this variant in disease. Therefore, it has been classified as a Variant of Uncertain Significance.

Ambry Genetics
Classification: Uncertain significance for Inborn genetic diseases. Last evaluated: 2024-03-26. Review status: criteria provided, single submitter. Criteria: Ambry Variant Classification Scheme 2023. Collection method: clinical testing. Allele origin: germline.

Baylor Genetics
Classification: Uncertain significance for Developmental and epileptic encephalopathy, 30. Last evaluated: 2019-08-22. Review status: criteria provided, single submitter. Criteria: ACMG Guidelines, 2015. Collection method: clinical testing. Allele origin: unknown. Affected: yes.
Comment: This variant was determined to be of uncertain significance according to ACMG Guidelines, 2015 [PMID:25741868].

NM_173354.5(SIK1):c.2012C>T (p.Pro671Leu)

Gene: SIK1 (salt inducible kinase 1; minus strand). Cytogenetic location: 21q22.3.
Variant type: single nucleotide variant.
Coding change: c.2012C>T on transcript NM_173354.5 (MANE Select); coding-DNA position 2012, C replaced by T.
Protein change: p.Pro671Leu; replaces proline 671 with leucine.
Molecular consequence: missense variant.
Genome position (GRCh38, 1-based): chr21:43,417,082, G>A on the plus strand (C>T on the coding strand, the complement: SIK1 is on the minus strand). VCF-style: chr21-43417082-G-A. GRCh37 (hg19) VCF-style: chr21-44836962-G-A.
Other names: short protein forms P671L.
Identifiers: ClinVar variation 934437 (VCV000934437.12), dbSNP rs768025261, ClinGen allele CA321324539.